The following is an entry in ClinVar:

NM_000143.4(FH):c.675T>C (p.Phe225=)

Gene: FH (fumarate hydratase; minus strand). Cytogenetic location: 1q43.
Variant type: single nucleotide variant.
Coding change: c.675T>C on transcript NM_000143.4 (MANE Select); coding-DNA position 675, T replaced by C.
Protein change: p.Phe225=; no amino-acid change (phenylalanine 225 retained).
Molecular consequence: synonymous variant.
Genome position (GRCh38, 1-based): chr1:241,508,666, A>G on the plus strand (T>C on the coding strand, the complement: FH is on the minus strand). VCF-style: chr1-241508666-A-G. GRCh37 (hg19) VCF-style: chr1-241671966-A-G.
Identifiers: ClinVar variation 1755306 (VCV001755306.4), dbSNP rs1270246282, ClinGen allele CA424076055.

ClinVar aggregate classification (germline): Benign/Likely benign. Review status: criteria provided, multiple submitters, no conflicts (2 of 4 stars). 3 submissions from 3 submitters: Benign (1); Likely benign (2). Last evaluated 2025-12-29.

Conditions:
Hereditary cancer-predisposing syndrome. Also called: Neoplastic Syndromes, Hereditary; Tumor predisposition; Hereditary Cancer Syndrome; Hereditary neoplastic syndrome. Identifiers: Orphanet 140162, MedGen C0027672, MeSH D009386, MONDO:0015356.
Hereditary leiomyomatosis and renal cell cancer. Also called: MULTIPLE CUTANEOUS AND UTERINE LEIOMYOMATA 1, WITH OR WITHOUT RENAL CELL CARCINOMA; LEIOMYOMA, MULTIPLE CUTANEOUS; Reed syndrome; Multiple cutaneous and uterine leiomyomatosis; Cutaneous leiomyomata with uterine leiomyomata; Leiomyoma, hereditary multiple, of skin. Identifiers: Orphanet 523, MedGen C1708350, MONDO:0007888, OMIM 150800, HP:0007437. Disease mechanism: loss of function.

Allele frequency attached by ClinVar (database versions not stated): gnomAD exomes 0.00001.
gnomAD v4.1: 6 of 1,613,904 alleles (0.00037%); highest among the groups gnomAD compares: Non-Finnish European, 0.00051%; no homozygotes.

Submissions (3):

Center for Genomic Medicine, Rigshospitalet, Copenhagen University Hospital
Classification: Likely benign. Last evaluated: 2025-12-29. Review status: criteria provided, single submitter. Criteria: ACMG Guidelines, 2015. Collection method: clinical testing. Allele origin: germline.
Comment: Classification criteria: BP4, BP7

Myriad Genetics, Inc.
Classification: Benign for Hereditary leiomyomatosis and renal cell cancer. Last evaluated: 2024-10-18. Review status: criteria provided, single submitter. Criteria: Myriad Autosomal Dominant, Autosomal Recessive and X-Linked Classification Criteria (2023). Collection method: clinical testing. Allele origin: unknown.
Comment: This variant is considered benign. This variant is a silent/synonymous amino acid change and it is not expected to impact splicing.

Ambry Genetics
Classification: Likely benign for Hereditary cancer-predisposing syndrome. Last evaluated: 2020-08-20. Review status: criteria provided, single submitter. Criteria: Ambry Variant Classification Scheme 2023. Collection method: clinical testing. Allele origin: germline.